The following is an entry in ClinVar:

NM_147127.5(EVC2):c.80G>C (p.Gly27Ala)

Gene: EVC2 (EvC ciliary complex subunit 2; minus strand). Cytogenetic location: 4p16.2.
Variant type: single nucleotide variant.
Coding change: c.80G>C on transcript NM_147127.5 (MANE Select); coding-DNA position 80, G replaced by C.
Protein change: p.Gly27Ala; replaces glycine 27 with alanine.
Molecular consequence: missense variant. On other transcripts: intron variant (1).
Genome position (GRCh38, 1-based): chr4:5,708,434, C>G on the plus strand (G>C on the coding strand, the complement: EVC2 is on the minus strand). VCF-style: chr4-5708434-C-G. GRCh37 (hg19) VCF-style: chr4-5710161-C-G.
Other names: c.-13+395G>C (NM_001166136.2); short protein forms G27A.
Identifiers: ClinVar variation 2194114 (VCV002194114.1), dbSNP rs1190293677, ClinGen allele CA356155351.

ClinVar aggregate classification (germline): Uncertain significance (1 of 4 stars; one submission).

Conditions:
Ellis-van Creveld syndrome (EVC). Also called: EVC-Related Ellis-van Creveld Syndrome; EVC2-Related Ellis-van Creveld Syndrome; Chondroectodermal dysplasia; MESOECTODERMAL DYSPLASIA. Identifiers: Orphanet 289, MedGen C0013903, MONDO:0009162, OMIM 225500.
Curry-Hall syndrome (WAD). Also called: WEYERS ACRODENTAL DYSOSTOSIS. Identifiers: Orphanet 952, MedGen C0457013, MONDO:0008673, OMIM 193530.

Allele frequency attached by ClinVar (database versions not stated): gnomAD 0.00001; TOPMed 0.00001; 1000 Genomes Project 30x 0.00016.

Submission:

Labcorp Genetics (formerly Invitae), Labcorp
Classification: Uncertain significance for Curry-Hall syndrome; Ellis-van Creveld syndrome. Last evaluated: 2022-04-17. Review status: criteria provided, single submitter. Criteria: Invitae Variant Classification Sherloc (09022015). Collection method: clinical testing. Allele origin: germline.
Comment: This sequence change replaces glycine, which is neutral and non-polar, with alanine, which is neutral and non-polar, at codon 27 of the EVC2 protein (p.Gly27Ala). This variant is not present in population databases (gnomAD no frequency). This variant has not been reported in the literature in individuals affected with EVC2-related conditions. Algorithms developed to predict the effect of missense changes on protein structure and function output the following: SIFT: "Tolerated"; PolyPhen-2: "Benign"; Align-GVGD: "Class C0". The alanine amino acid residue is found in multiple mammalian species, which suggests that this missense change does not adversely affect protein function. In summary, the available evidence is currently insufficient to determine the role of this variant in disease. Therefore, it has been classified as a Variant of Uncertain Significance.